The following is an entry in ClinVar:

NM_001042492.3(NF1):c.1062+3A>T

Gene: NF1 (neurofibromin 1; plus strand). Cytogenetic location: 17q11.2.
Variant type: single nucleotide variant.
Coding change: c.1062+3A>T on transcript NM_001042492.3 (MANE Select); 3 bases into the intron after coding-DNA position 1062, A replaced by T.
Molecular consequence: intron variant.
Genome position (GRCh38, 1-based): chr17:31,200,598, A>T. VCF-style: chr17-31200598-A-T. GRCh37 (hg19) VCF-style: chr17-29527616-A-T.
Other names: c.1062+3A>T (NM_000267.4, NM_001128147.3).
Identifiers: ClinVar variation 2629320 (VCV002629320.8), dbSNP rs1057521098, ClinGen allele CA2695201268.

ClinVar aggregate classification (germline): Likely pathogenic. Review status: criteria provided, multiple submitters, no conflicts (2 of 4 stars). 4 submissions from 4 submitters: Likely pathogenic (3). 1 of the submissions does not count toward it. Last evaluated 2026-02-04.

Conditions:
NF1-related disorder. Also called: NF1-related condition. Identifiers: MedGen CN379171.
Neurofibromatosis, type 1 (NF1). Also called: VON RECKLINGHAUSEN DISEASE; NEUROFIBROMATOSIS, TYPE I, SOMATIC; Peripheral type neurofibromatosis; Neurofibromatosis, type I. Identifiers: Orphanet 636, MedGen C0027831, MONDO:0018975, OMIM 162200. Disease mechanism: loss of function.

Submissions (4):

Labcorp Genetics (formerly Invitae), Labcorp
Classification: Likely pathogenic for Neurofibromatosis, type 1. Last evaluated: 2026-02-04. Review status: criteria provided, single submitter. Criteria: Invitae Variant Classification Sherloc (09022015). Collection method: clinical testing. Allele origin: germline.
Comment: This sequence change falls in intron 9 of the NF1 gene. It does not directly change the encoded amino acid sequence of the NF1 protein. It affects a nucleotide within the consensus splice site. This variant is not present in population databases (gnomAD no frequency). This variant has been observed in individual(s) with neurofibromatosis type I (internal data). ClinVar contains an entry for this variant (Variation ID: 2629320). Variants that disrupt the consensus splice site are a relatively common cause of aberrant splicing (PMID: 17576681, 9536098). Algorithms developed to predict the effect of sequence changes on RNA splicing suggest that this variant may disrupt the consensus splice site. This variant disrupts the c.1062+3A nucleotide in the NF1 gene. Other variant(s) that disrupt this nucleotide have been determined to be pathogenic (PMID: 32123317; internal data). This suggests that this nucleotide is clinically significant, and that variants that disrupt this position are likely to be disease-causing. In summary, the currently available evidence indicates that the variant is pathogenic, but additional data are needed to prove that conclusively. Therefore, this variant has been classified as Likely Pathogenic.

Medical and Scientific Branch, Hong Kong Genome Institute
Classification: Likely pathogenic for Neurofibromatosis, type 1. Last evaluated: 2026-01-26. Review status: criteria provided, single submitter. Criteria: ACMG Guidelines, 2015. Collection method: clinical testing. Allele origin: de novo. Affected: yes.

NHS Central & South Genomic Laboratory Hub
Classification: Likely pathogenic for Neurofibromatosis type 1. Last evaluated: 2024-11-11. Review status: criteria provided, single submitter. Criteria: ACMG Guidelines, 2015. Collection method: clinical testing. Allele origin: germline. Affected: yes.

PreventionGenetics, part of Exact Sciences
Classification: Likely pathogenic for NF1-related condition. Last evaluated: 2024-02-15. Review status: no assertion criteria provided. Collection method: clinical testing. Allele origin: germline. Not counted in ClinVar's aggregate classification.
Comment: The NF1 c.1062+3A>T variant is predicted to interfere with splicing. To our knowledge, this variant has not been reported in the literature or in a large population database, indicating this variant is rare. A different nucleotide substitution affecting this nucleotide (c.1062+3A>G) has been reported in an individual with neurofibromatosis type 1 and mRNA analysis found this variant results in exon skipping, which is predicted to result in an in-frame deletion (p.Lys297_Lys354del) (Pros et al. 2008. PubMed ID: 18546366; Table S1 - Wai et al. 2020. PubMed ID: 32123317). This variant is interpreted as likely pathogenic.

Literature cited by the submitters: PubMed 17576681 (cited by Labcorp Genetics (formerly Invitae), Labcorp); PubMed 9536098 (cited by Labcorp Genetics (formerly Invitae), Labcorp); PubMed 32123317 (cited by Labcorp Genetics (formerly Invitae), Labcorp).